The following is an entry in ClinVar:

ClinVar aggregate classification (germline): Uncertain significance (1 of 4 stars; one submission).

Conditions:
Pontocerebellar hypoplasia type 2E. Identifiers: Orphanet 247198, MedGen C4014488, MONDO:0014370, OMIM 615851.

gnomAD v4.1: 3 of 1,477,686 alleles (0.0002%); highest among the groups gnomAD compares: African/African-American, 0.0014%; no homozygotes.

Submission:

Myriad Genetics, Inc.
Classification: Uncertain significance for Pontocerebellar hypoplasia type 2E. Last evaluated: 2025-09-22. Review status: criteria provided, single submitter. Criteria: Myriad Autosomal Dominant, Autosomal Recessive and X-Linked Classification Criteria (2023). Collection method: clinical testing. Allele origin: unknown.
Comment: NM_001128159.2(VPS53):c.2329-2A>G is a variant in a canonical splice site classified as a variant of uncertain significance in the context of pontocerebellar hypoplasia, VPS53-related. c.2329-2A>G has not been observed in cases with relevant disease. Relevant functional assessments of this variant are not available in the literature. c.2329-2A>G has not been observed in referenced population frequency databases. In summary, there is insufficient evidence to classify NM_001128159.2(VPS53):c.2329-2A>G as pathogenic or benign. Please note: this variant was assessed in the context of healthy population screening.

NM_001128159.3(VPS53):c.2329-2A>G

Gene: VPS53 (VPS53 subunit of GARP complex; minus strand). Cytogenetic location: 17p13.3.
Variant type: single nucleotide variant.
Coding change: c.2329-2A>G on transcript NM_001128159.3 (MANE Select); the canonical splice acceptor site of the intron before coding-DNA position 2329, A replaced by G.
Molecular consequence: splice acceptor variant.
Genome position (GRCh38, 1-based): chr17:519,300, T>C on the plus strand (A>G on the coding strand, the complement: VPS53 is on the minus strand). VCF-style: chr17-519300-T-C. GRCh37 (hg19) VCF-style: chr17-422540-T-C.
Identifiers: ClinVar variation 5003462 (VCV005003462.1).
Genomic context (GRCh38, chr17:519,300, plus strand): 5'-GCGGGGAGCCGCTGGCGCAGGAGTTCCAGCATGCTGCTCTGCTCACTCCTCTTCAGCCCC[T>C]GAGGTTGAGAGAGAAACAGAACCGTCACGAAGTCTGGGCCAGAATGGCCCACGGGGGACA-3'